The following is an entry in ClinVar:

NM_000537.4(REN):c.249+1G>T

Gene: REN (renin; minus strand). Cytogenetic location: 1q32.1.
Variant type: single nucleotide variant.
Coding change: c.249+1G>T on transcript NM_000537.4 (MANE Select); the canonical splice donor site of the intron after coding-DNA position 249, G replaced by T.
Molecular consequence: splice donor variant.
Genome position (GRCh38, 1-based): chr1:204,162,012, C>A on the plus strand (G>T on the coding strand, the complement: REN is on the minus strand). VCF-style: chr1-204162012-C-A. GRCh37 (hg19) VCF-style: chr1-204131140-C-A.
Identifiers: ClinVar variation 2131200 (VCV002131200.4), dbSNP rs756544334, ClinGen allele CA344341443.

ClinVar aggregate classification (germline): Likely pathogenic (1 of 4 stars; one submission).

Submission:

Labcorp Genetics (formerly Invitae), Labcorp
Classification: Likely pathogenic. Last evaluated: 2022-10-27. Review status: criteria provided, single submitter. Criteria: Invitae Variant Classification Sherloc (09022015). Collection method: clinical testing. Allele origin: germline.
Comment: This sequence change affects a donor splice site in intron 2 of the REN gene. It is expected to disrupt RNA splicing. Variants that disrupt the donor or acceptor splice site typically lead to a loss of protein function (PMID: 16199547), and loss-of-function variants in REN are known to be pathogenic (PMID: 16116425, 22095942, 27994858). This variant is not present in population databases (gnomAD no frequency). Disruption of this splice site has been observed in individual(s) with renal tubular dysgenesis (PMID: 22095942). Algorithms developed to predict the effect of sequence changes on RNA splicing suggest that this variant may disrupt the consensus splice site. In summary, the currently available evidence indicates that the variant is pathogenic, but additional data are needed to prove that conclusively. Therefore, this variant has been classified as Likely Pathogenic.

Literature cited by the submitters: PubMed 16199547; PubMed 16116425; PubMed 22095942; PubMed 27994858.